The following is an entry in ClinVar:

NM_004329.3(BMPR1A):c.299G>A (p.Cys100Tyr)

Gene: BMPR1A (bone morphogenetic protein receptor type 1A; plus strand). Cytogenetic location: 10q23.2.
Variant type: single nucleotide variant.
Coding change: c.299G>A on transcript NM_004329.3 (MANE Select); coding-DNA position 299, G replaced by A.
Protein change: p.Cys100Tyr; replaces cysteine 100 with tyrosine.
Molecular consequence: missense variant.
Genome position (GRCh38, 1-based): chr10:86,892,195, G>A. VCF-style: chr10-86892195-G-A. GRCh37 (hg19) VCF-style: chr10-88651952-G-A.
Other names: c.299G>A, p.Cys100Tyr (NM_001406559.1, NM_001406560.1, NM_001406561.1 and 23 more transcripts); c.215G>A, p.Cys72Tyr (NM_001406584.1, NM_001406585.1, NM_001406586.1 and 2 more transcripts); short protein forms C100Y, C72Y.
Identifiers: ClinVar variation 1798615 (VCV001798615.2), dbSNP rs2133408741, ClinGen allele CA377448156.

ClinVar aggregate classification (germline): Likely pathogenic (1 of 4 stars; one submission).

Conditions:
Hereditary cancer-predisposing syndrome. Also called: Neoplastic Syndromes, Hereditary; Tumor predisposition; Hereditary Cancer Syndrome; Hereditary neoplastic syndrome. Identifiers: Orphanet 140162, MedGen C0027672, MeSH D009386, MONDO:0015356.

Submission:

Ambry Genetics
Classification: Likely pathogenic for Hereditary cancer-predisposing syndrome. Last evaluated: 2020-09-28. Review status: criteria provided, single submitter. Criteria: Ambry Variant Classification Scheme 2023. Collection method: clinical testing. Allele origin: germline.
Comment: The p.C100Y variant (also known as c.299G>A), located in coding exon 3 of the BMPR1A gene, results from a G to A substitution at nucleotide position 299. The cysteine at codon 100 is replaced by tyrosine, an amino acid with highly dissimilar properties. Based on an internal structural analysis, this variant disrupts a disulfide bond and is more disruptive to the structure than nearby pathogenic variants (Ambry internal data; Zhou XP et al. Am. J. Hum. Genet., 2001 Oct;69:704-11; Allendorph GP et al. Proc. Natl. Acad. Sci. U.S.A., 2006 May;103:7643-8; Weber D et al. BMC Struct. Biol., 2007 Feb;7:6; Howe JR et al. J. Surg. Res., 2013 Oct;184:739-45). This variant was not reported in population-based cohorts in the Genome Aggregation Database (gnomAD). This amino acid position is highly conserved in available vertebrate species. In addition, this alteration is predicted to be deleterious by in silico analysis. Based on the majority of available evidence to date, this variant is likely to be pathogenic.

Literature cited by the submitters: PubMed 11536076; PubMed 16672363; PubMed 17295905; PubMed 23433720.